The following is an entry in ClinVar:

NM_005027.4(PIK3R2):c.82G>A (p.Gly28Ser)

Gene: PIK3R2 (phosphoinositide-3-kinase regulatory subunit 2; plus strand). Cytogenetic location: 19p13.11.
Variant type: single nucleotide variant.
Coding change: c.82G>A on transcript NM_005027.4 (MANE Select); coding-DNA position 82, G replaced by A.
Protein change: p.Gly28Ser; replaces glycine 28 with serine.
Molecular consequence: missense variant. On other transcripts: non-coding transcript variant (2).
Genome position (GRCh38, 1-based): chr19:18,155,961, G>A. VCF-style: chr19-18155961-G-A. GRCh37 (hg19) VCF-style: chr19-18266771-G-A.
Other names: c.82G>A (NM_005027.2); short protein forms G28S.
Identifiers: ClinVar variation 1417925 (VCV001417925.9), dbSNP rs112165780, ClinGen allele CA306163915.

ClinVar aggregate classification (germline): Uncertain significance. Review status: criteria provided, multiple submitters, no conflicts (2 of 4 stars). 2 submissions from 2 submitters: Uncertain significance (2). Last evaluated 2022-05-01.

Conditions:
Inborn genetic diseases. Identifiers: MedGen C0950123, MeSH D030342.
Megalencephaly-polymicrogyria-postaxial polydactyly-hydrocephalus syndrome. Also called: MEG-PMG-MEGACC SYNDROME; MPPH Syndrome. Identifiers: Orphanet 83473, MedGen C1863924, MONDO:0019375.

Submissions (2):

Ambry Genetics
Classification: Uncertain significance for Inborn genetic diseases. Last evaluated: 2022-05-01. Review status: criteria provided, single submitter. Criteria: Ambry Variant Classification Scheme 2023. Collection method: clinical testing. Allele origin: germline.

Labcorp Genetics (formerly Invitae), Labcorp
Classification: Uncertain significance for Megalencephaly-polymicrogyria-postaxial polydactyly-hydrocephalus syndrome. Last evaluated: 2021-05-03. Review status: criteria provided, single submitter. Criteria: Invitae Variant Classification Sherloc (09022015). Collection method: clinical testing. Allele origin: germline.
Comment: In summary, the available evidence is currently insufficient to determine the role of this variant in disease. Therefore, it has been classified as a Variant of Uncertain Significance. Advanced modeling of protein sequence and biophysical properties (such as structural, functional, and spatial information, amino acid conservation, physicochemical variation, residue mobility, and thermodynamic stability) performed at Invitae indicates that this missense variant is expected to disrupt PIK3R2 protein function. This variant has not been reported in the literature in individuals with PIK3R2-related conditions. The frequency data for this variant in the population databases is considered unreliable, as metrics indicate insufficient coverage at this position in the ExAC database. This sequence change replaces glycine with serine at codon 28 of the PIK3R2 protein (p.Gly28Ser). The glycine residue is moderately conserved and there is a small physicochemical difference between glycine and serine.